The following is an entry in ClinVar:

ClinVar aggregate classification (germline): Uncertain significance (1 of 4 stars; one submission).

Conditions:
Inborn genetic diseases. Identifiers: MedGen C0950123, MeSH D030342.

Submission:

Ambry Genetics
Classification: Uncertain significance for Inborn genetic diseases. Last evaluated: 2025-03-22. Review status: criteria provided, single submitter. Criteria: Ambry Variant Classification Scheme 2023. Collection method: clinical testing. Allele origin: germline.
Comment: The p.A142P variant (also known as c.424G>C), located in coding exon 3 of the ANKRD26 gene, results from a G to C substitution at nucleotide position 424. The alanine at codon 142 is replaced by proline, an amino acid with highly similar properties. This amino acid position is conserved. In addition, this alteration is predicted to be tolerated by in silico analysis. Based on the available evidence, the clinical significance of this variant remains unclear.

NM_014915.3(ANKRD26):c.424G>C (p.Ala142Pro)

Gene: ANKRD26 (ankyrin repeat domain containing 26; minus strand). Cytogenetic location: 10p12.1.
Variant type: single nucleotide variant.
Coding change: c.424G>C on transcript NM_014915.3 (MANE Select); coding-DNA position 424, G replaced by C.
Protein change: p.Ala142Pro; replaces alanine 142 with proline.
Molecular consequence: missense variant.
Genome position (GRCh38, 1-based): chr10:27,093,456, C>G on the plus strand (G>C on the coding strand, the complement: ANKRD26 is on the minus strand). VCF-style: chr10-27093456-C-G. GRCh37 (hg19) VCF-style: chr10-27382385-C-G.
Other names: c.424G>C, p.Ala142Pro (NM_001256053.2); short protein forms A142P.
Identifiers: ClinVar variation 3913134 (VCV003913134.1).